The following is an entry in ClinVar:

NM_001330588.2(TPP2):c.3580-27C>A

Gene: TPP2 (tripeptidyl peptidase 2; plus strand). Cytogenetic location: 13q33.1.
Variant type: single nucleotide variant.
Coding change: c.3580-27C>A on transcript NM_001330588.2 (MANE Select); 27 bases into the intron before coding-DNA position 3580, C replaced by A.
Molecular consequence: intron variant.
Genome position (GRCh38, 1-based): chr13:102,676,269, C>A. VCF-style: chr13-102676269-C-A. GRCh37 (hg19) VCF-style: chr13-103328619-C-A.
Other names: c.3667-27C>A (NM_001367947.1); c.3541-27C>A (NM_003291.4).
Identifiers: ClinVar variation 2628192 (VCV002628192.2), dbSNP rs584710, ClinGen allele CA7038317.

ClinVar aggregate classification (germline): Benign (1 of 4 stars; one submission).

Allele frequency attached by ClinVar (database versions not stated): ExAC 0.45612; gnomAD exomes 0.46703; 1000 Genomes Project 0.47344; 1000 Genomes Project 30x 0.47470; ESP Exome Variant Server 0.49557; gnomAD 0.49644; TOPMed 0.49663.
gnomAD v4.1: 716,419 of 1,525,338 alleles (47%); highest among the groups gnomAD compares: African/African-American, 60%; 170,767 homozygotes.

Submission:

Unidad de Genómica Garrahan, Hospital de Pediatría Garrahan
Classification: Benign. Last evaluated: 2023-11-12. Review status: criteria provided, single submitter. Criteria: ACMG Guidelines, 2015. Collection method: clinical testing. Allele origin: germline. Affected: no. Observed: 44 variant alleles.
Comment: This variant is classified as Benign based on local population frequency. This variant was detected in 46% of patients studied by a panel of primary immunodeficiencies. Number of patients: 44. Only high quality variants are reported.